The following is an entry in ClinVar:

NM_024675.4(PALB2):c.3308T>G (p.Val1103Gly)

Gene: PALB2 (partner and localizer of BRCA2; minus strand). Cytogenetic location: 16p12.2.
Variant type: single nucleotide variant.
Coding change: c.3308T>G on transcript NM_024675.4 (MANE Select); coding-DNA position 3308, T replaced by G.
Protein change: p.Val1103Gly; replaces valine 1103 with glycine.
Molecular consequence: missense variant.
Genome position (GRCh38, 1-based): chr16:23,607,906, A>C on the plus strand (T>G on the coding strand, the complement: PALB2 is on the minus strand). VCF-style: chr16-23607906-A-C. GRCh37 (hg19) VCF-style: chr16-23619227-A-C.
Other names: short protein forms V1103G.
Identifiers: ClinVar variation 1320743 (VCV001320743.13), dbSNP rs1966506776, ClinGen allele CA395139461.

ClinVar aggregate classification (germline): Uncertain significance. Review status: criteria provided, multiple submitters, no conflicts (2 of 4 stars). 3 submissions from 3 submitters: Uncertain significance (3). Last evaluated 2023-11-17.

Conditions:
Hereditary cancer-predisposing syndrome. Also called: Hereditary neoplastic syndrome; Neoplastic Syndromes, Hereditary; Tumor predisposition; Hereditary Cancer Syndrome. Identifiers: Orphanet 140162, MedGen C0027672, MeSH D009386, MONDO:0015356.
Familial cancer of breast. Also called: Hereditary breast cancer; hereditary breast carcinoma; BREAST CANCER, FAMILIAL. Identifiers: Orphanet 227535, MedGen C0346153, MONDO:0016419, OMIM 114480. Disease mechanism: loss of function.

Allele frequency attached by ClinVar (database versions not stated): TOPMed below 0.00001.

Submissions (3):

Labcorp Genetics (formerly Invitae), Labcorp
Classification: Uncertain significance for Familial cancer of breast. Last evaluated: 2023-11-17. Review status: criteria provided, single submitter. Criteria: Invitae Variant Classification Sherloc (09022015). Collection method: clinical testing. Allele origin: germline.
Comment: This sequence change replaces valine, which is neutral and non-polar, with glycine, which is neutral and non-polar, at codon 1103 of the PALB2 protein (p.Val1103Gly). This variant is not present in population databases (gnomAD no frequency). This variant has not been reported in the literature in individuals affected with PALB2-related conditions. ClinVar contains an entry for this variant (Variation ID: 1320743). An algorithm developed to predict the effect of missense changes on protein structure and function (PolyPhen-2) suggests that this variant is likely to be tolerated. In summary, the available evidence is currently insufficient to determine the role of this variant in disease. Therefore, it has been classified as a Variant of Uncertain Significance.

GeneDx
Classification: Uncertain significance. Last evaluated: 2023-06-28. Review status: criteria provided, single submitter. Criteria: GeneDx Variant Classification Process June 2021. Collection method: clinical testing. Allele origin: germline. Affected: yes.
Comment: Not observed at significant frequency in large population cohorts (gnomAD); In silico analysis supports that this missense variant has a deleterious effect on protein structure/function; Has not been previously published as pathogenic or benign to our knowledge; This variant is associated with the following publications: (PMID: 20871615, 19609323, 24485656)

Ambry Genetics
Classification: Uncertain significance for Hereditary cancer-predisposing syndrome. Last evaluated: 2022-04-11. Review status: criteria provided, single submitter. Criteria: Ambry Variant Classification Scheme 2023. Collection method: clinical testing. Allele origin: germline.
Comment: The p.V1103G variant (also known as c.3308T>G), located in coding exon 12 of the PALB2 gene, results from a T to G substitution at nucleotide position 3308. The valine at codon 1103 is replaced by glycine, an amino acid with dissimilar properties. This amino acid position is conserved. In addition, this alteration is predicted to be tolerated by in silico analysis. Since supporting evidence is limited at this time, the clinical significance of this alteration remains unclear.